The following is an entry in ClinVar:

ClinVar aggregate classification (germline): Uncertain significance (1 of 4 stars; one submission).

gnomAD v4.1: 1 of 1,613,268 alleles (0.000062%); highest among the groups gnomAD compares: Non-Finnish European, 0.000085%; no homozygotes.

Submission:

Labcorp Genetics (formerly Invitae), Labcorp
Classification: Uncertain significance. Last evaluated: 2024-05-23. Review status: criteria provided, single submitter. Criteria: Invitae Variant Classification Sherloc (09022015). Collection method: clinical testing. Allele origin: germline.
Comment: This sequence change replaces aspartic acid, which is acidic and polar, with histidine, which is basic and polar, at codon 1375 of the ADGRV1 protein (p.Asp1375His). This variant is not present in population databases (gnomAD no frequency). This missense change has been observed in individual(s) with Usher syndrome (PMID: 22135276). Advanced modeling of protein sequence and biophysical properties (such as structural, functional, and spatial information, amino acid conservation, physicochemical variation, residue mobility, and thermodynamic stability) performed at Invitae indicates that this missense variant is not expected to disrupt ADGRV1 protein function with a negative predictive value of 80%. In summary, the available evidence is currently insufficient to determine the role of this variant in disease. Therefore, it has been classified as a Variant of Uncertain Significance.

Literature cited by the submitters: PubMed 22135276.

NM_032119.4(ADGRV1):c.4123G>C (p.Asp1375His)

Gene: ADGRV1 (adhesion G protein-coupled receptor V1; plus strand). Cytogenetic location: 5q14.3.
Variant type: single nucleotide variant.
Coding change: c.4123G>C on transcript NM_032119.4 (MANE Select); coding-DNA position 4123, G replaced by C.
Protein change: p.Asp1375His; replaces aspartic acid 1375 with histidine.
Molecular consequence: missense variant. On other transcripts: non-coding transcript variant (1).
Genome position (GRCh38, 1-based): chr5:90,653,697, G>C. VCF-style: chr5-90653697-G-C. GRCh37 (hg19) VCF-style: chr5-89949514-G-C.
Other names: short protein forms D1375H.
Identifiers: ClinVar variation 3720631 (VCV003720631.2).
Genomic context (GRCh38, chr5:90,653,697, plus strand): 5'-TTTACATTCTCAGCTTGGGTAATGCCCAATGCCAATACGAATGGATTCATTATAGCGAAG[G>C]ATGACGGTAATGGAAGCATCTACTACGGGGTAAAAATACAAACAAACGAATCCCATGTGA-3'
Protein context (NP_115495.3, residues 1365-1385): ANTNGFIIAK[Asp1375His]DGNGSIYYGV